The following is an entry in ClinVar:

NM_000179.3(MSH6):c.3801+6T>A

Gene: MSH6 (mutS homolog 6; plus strand). Cytogenetic location: 2p16.3.
Variant type: single nucleotide variant.
Coding change: c.3801+6T>A on transcript NM_000179.3 (MANE Select); 6 bases into the intron after coding-DNA position 3801, T replaced by A.
Molecular consequence: intron variant.
Genome position (GRCh38, 1-based): chr2:47,806,364, T>A. VCF-style: chr2-47806364-T-A. GRCh37 (hg19) VCF-style: chr2-48033503-T-A.
Other names: c.2895+6T>A (NM_001281493.2, NM_001281494.2); c.3411+6T>A (NM_001281492.2).
Identifiers: ClinVar variation 1448940 (VCV001448940.6), dbSNP rs749922503, ClinGen allele CA2496053927.

ClinVar aggregate classification (germline): Uncertain significance (1 of 4 stars; one submission).

Conditions:
Hereditary nonpolyposis colorectal neoplasms. Identifiers: MedGen C0009405, MeSH D003123.

Submission:

Labcorp Genetics (formerly Invitae), Labcorp
Classification: Uncertain significance for Hereditary nonpolyposis colorectal neoplasms. Last evaluated: 2022-08-23. Review status: criteria provided, single submitter. Criteria: Invitae Variant Classification Sherloc (09022015). Collection method: clinical testing. Allele origin: germline.
Comment: In summary, the available evidence is currently insufficient to determine the role of this variant in disease. Therefore, it has been classified as a Variant of Uncertain Significance. This sequence change falls in intron 8 of the MSH6 gene. It does not directly change the encoded amino acid sequence of the MSH6 protein. It affects a nucleotide within the consensus splice site. This variant is not present in population databases (gnomAD no frequency). This variant has not been reported in the literature in individuals affected with MSH6-related conditions. ClinVar contains an entry for this variant (Variation ID: 1448940). Variants that disrupt the consensus splice site are a relatively common cause of aberrant splicing (PMID: 17576681, 9536098). Algorithms developed to predict the effect of sequence changes on RNA splicing suggest that this variant is not likely to affect RNA splicing.

Literature cited by the submitters: PubMed 17576681; PubMed 9536098.